The following is an entry in ClinVar:

ClinVar aggregate classification (germline): Uncertain significance (1 of 4 stars; one submission).

gnomAD v4.1: 4 of 1,613,374 alleles (0.00025%); highest among the groups gnomAD compares: Admixed American, 0.0033%; no homozygotes.

Submission:

Dasa
Classification: Uncertain significance. Last evaluated: 2025-11-21. Review status: criteria provided, single submitter. Criteria: DASA Assertion Criteria. Collection method: clinical testing. Allele origin: germline.
Comment: NM_002224.4(ITPR3):c.2362C>T (p.Arg788Cys) is a missense variant that results in the substitution of arginine with cysteine. This variant is rare in population databases. Computational prediction algorithms are consistent with a deleterious effect. The currently available literature and clinical evidence are not sufficient to establish a definitive association between this variant and the reported condition. Therefore, this variant is classified as a variant of uncertain significance.

NM_002224.4(ITPR3):c.2362C>T (p.Arg788Cys)

Gene: ITPR3 (inositol 1,4,5-trisphosphate receptor type 3; plus strand). Cytogenetic location: 6p21.31.
Variant type: single nucleotide variant.
Coding change: c.2362C>T on transcript NM_002224.4 (MANE Select); coding-DNA position 2362, C replaced by T.
Protein change: p.Arg788Cys; replaces arginine 788 with cysteine.
Molecular consequence: missense variant.
Genome position (GRCh38, 1-based): chr6:33,670,497, C>T. VCF-style: chr6-33670497-C-T. GRCh37 (hg19) VCF-style: chr6-33638274-C-T.
Other names: short protein forms R788C.
Identifiers: ClinVar variation 4884971 (VCV004884971.2).